The following is an entry in ClinVar:

NC_012920.1(MT-ND1):m.3307A>T

Gene: MT-ND1 (mitochondrially encoded NADH dehydrogenase 1; plus strand).
Variant type: single nucleotide variant.
Genome position: chrM-3307-A-T.
Identifiers: ClinVar variation 692328 (VCV000692328.1), dbSNP rs1603218882, ClinGen allele CA414772509.
Genomic context (GRCh38, chrMT:3,307, plus strand): 5'-CGGTAATCGCATAAAACTTAAAACTTTACAGTCAGAGGTTCAATTCCTCTTCTTAACAAC[A>T]TACCCATGGCCAACCTCCTACTCCTCATTGTACCCATTCTAATCGCAATGGCATTCCTAA-3'

ClinVar aggregate classification (germline): Uncertain significance (1 of 4 stars; one submission).

Conditions:
Leigh syndrome (NULS). Also called: Leigh's necrotizing encephalopathy; Leigh's disease; Leigh Syndrome (mtDNA deletion); Leigh Disease; Subacute necrotizing encephalopathy; Necrotizing encephalopathy infantile subacute of Leigh. Identifiers: Orphanet 506, MedGen C2931891, MONDO:0009723, OMIM 256000.

Submission:

Wong Mito Lab, Molecular and Human Genetics, Baylor College of Medicine
Classification: Uncertain significance for Leigh syndrome. Last evaluated: 2019-10-17. Review status: criteria provided, single submitter. Criteria: Modified ACMG Guidelines (Unpublished). Collection method: clinical testing. Allele origin: germline.
Comment: The NC_012920.1:m.3307A>T (YP_003024026.1:p.Met1Leu) variant in MTND1 gene is interpretated to be a Uncertain Significance variant based on the modified ACMG guidelines (unpublished). This variant meets the following evidence codes: PP3, PP7